The following is an entry in ClinVar:

ClinVar aggregate classification (germline): Pathogenic/Likely pathogenic. Review status: criteria provided, multiple submitters, no conflicts (2 of 4 stars). 5 submissions from 5 submitters: Pathogenic (2); Likely pathogenic (3). Last evaluated 2025-09-08.

Conditions:
Mucopolysaccharidosis, MPS-II (MPS2). Also called: Attenuated MPS (subtype; formerly known as mild MPS II); Severe MPS II; I2S deficiency; MPS 2; Hunter Syndrome; IDURONATE 2-SULFATASE DEFICIENCY. Identifiers: Orphanet 580, Orphanet 79388, MedGen C0026705, MONDO:0010674, OMIM 309900.
Mucopolysaccharidosis, MPS-III-A (MPS3A). Also called: HEPARAN SULFATE SULFATASE DEFICIENCY; SANFILIPPO SYNDROME A; SULFAMIDASE DEFICIENCY; MPS III A; MPS IIIA (Sanfilippo Syndrome Type A); Mucopolysaccharidosis type IIIA (Sanfilippo A). Identifiers: Orphanet 581, Orphanet 79269, MedGen C0086647, MONDO:0009655, OMIM 252900.

Allele frequency attached by ClinVar (database versions not stated): gnomAD exomes below 0.00001.
gnomAD v4.1: 2 of 1,211,058 alleles (0.00017%); highest among the groups gnomAD compares: Non-Finnish European, 0.00022%; no homozygotes.

Submissions (5):

Labcorp Genetics (formerly Invitae), Labcorp
Classification: Pathogenic for Mucopolysaccharidosis, MPS-II. Last evaluated: 2025-09-08. Review status: criteria provided, single submitter. Criteria: Invitae Variant Classification Sherloc (09022015). Collection method: clinical testing. Allele origin: germline.
Comment: This sequence change replaces proline, which is neutral and non-polar, with leucine, which is neutral and non-polar, at codon 480 of the IDS protein (p.Pro480Leu). This variant is not present in population databases (gnomAD no frequency). This missense change has been observed in individual(s) with mucopolysaccharidosis type II (PMID: 9660053, 36945845). ClinVar contains an entry for this variant (Variation ID: 1509031). Invitae Evidence Modeling of protein sequence and biophysical properties (such as structural, functional, and spatial information, amino acid conservation, physicochemical variation, residue mobility, and thermodynamic stability) indicates that this missense variant is expected to disrupt IDS protein function with a positive predictive value of 95%. Experimental studies have shown that this missense change affects IDS function (PMID: 9573369, 9660053). This variant disrupts the p.Pro480 amino acid residue in IDS. Other variant(s) that disrupt this residue have been observed in individuals with IDS-related conditions (PMID: 9660053), which suggests that this may be a clinically significant amino acid residue. For these reasons, this variant has been classified as Pathogenic.

Revvity Omics, Revvity
Classification: Likely pathogenic for Mucopolysaccharidosis, MPS-II. Last evaluated: 2025-02-13. Review status: criteria provided, single submitter. Criteria: ACMG Guidelines, 2015. Collection method: clinical testing. Allele origin: germline.

Laboratory of Diagnosis and Therapy of Lysosomal Disorders, University of Padova
Classification: Pathogenic for Mucopolysaccharidosis, MPS-II. Last evaluated: 2024-06-07. Review status: criteria provided, single submitter. Criteria: ACMG Guidelines, 2015. Collection method: literature only. Allele origin: germline. Affected: yes. Observed: 3 variant alleles.
Comment: In vitro or in vivo functional studies supportive of a damaging effect (PS3_Moderate), Prevalence of the variant significantly increased in affected individuals compared with controls (PS4_Strong), Absent from controls (or at low frequency) in gnomAD database (PM2_Moderate), Missense variant in a gene with a low rate of benign missense variation (PP2_Supporting), Multiple lines of computational evidence support a deleterious effect (PP3_Supporting), Patient’s phenotype or family history highly specific for the disease (PP4_Strong)

Classification method: ACMG Guidelines [PMID:25741868] with modifications

Natera, Inc.
Classification: Likely pathogenic for Mucopolysaccharidosis type IIIA. Last evaluated: 2024-04-18. Review status: criteria provided, single submitter. Criteria: Natera Variant Classification Schema (03/2026). Collection method: clinical testing. Allele origin: germline.
Comment: The c.1439C>T variant in IDS is a missense variant predicted to cause substitution of proline to leucine at amino acid 480. This variant is rare in the general population with a frequency below the threshold expected for the associated phenotype(s). This variant has been observed in affected individual(s) with monoallelic occurrence (heterozygous/hemizygous) (PMID: 9573369). Functional studies show that this variant may disrupt protein function (PMID: 9573369). Given the available evidence, this variant is classified as Likely Pathogenic.

Women's Health and Genetics/Laboratory Corporation of America, LabCorp
Classification: Likely pathogenic for Mucopolysaccharidosis, MPS-II. Last evaluated: 2023-07-31. Review status: criteria provided, single submitter. Criteria: LabCorp Variant Classification Summary - May 2015. Collection method: clinical testing. Allele origin: germline.
Comment: Variant summary: IDS c.1439C>T (p.Pro480Leu) results in a non-conservative amino acid change in the encoded protein sequence. Five of five in-silico tools predict a damaging effect of the variant on protein function. This alters a highly conserved residue in which other missense variants have been found in association with disease (HGMD), suggesting this may be a functionally important amino acid. The variant was absent in 183326 control chromosomes (gnomAD). c.1439C>T has been reported in the literature in an individual(s) affected with Mucopolysaccharidosis Type II (Hunter Syndrome; Froissart_1998, Millat_1998). These data suggest the variant may be associated with disease. At least one publication reports experimental evidence evaluating an impact on protein function, finding that the variant effect results in 10%-<30% of normal enzymatic activity (Millat_1998). The following publications have been ascertained in the context of this evaluation (PMID: 9660053, 9573369). One submitter has cited a clinical-significance assessment for this variant to ClinVar after 2014 and has classified the variant as likely pathogenic. Based on the evidence outlined above, the variant was classified as likely pathogenic.

Literature cited by the submitters: PubMed 9660053 (cited by 3 submitters); PubMed 36945845 (cited by Labcorp Genetics (formerly Invitae), Labcorp and Laboratory of Diagnosis and Therapy of Lysosomal Disorders, University of Padova); PubMed 9573369 (cited by 4 submitters).

NM_000202.8(IDS):c.1439C>T (p.Pro480Leu)

Gene: IDS (iduronate 2-sulfatase; minus strand). Cytogenetic location: Xq28.
Variant type: single nucleotide variant.
Coding change: c.1439C>T on transcript NM_000202.8 (MANE Select); coding-DNA position 1439, C replaced by T.
Protein change: p.Pro480Leu; replaces proline 480 with leucine.
Molecular consequence: missense variant.
Genome position (GRCh38, 1-based): chrX:149,482,960, G>A on the plus strand (C>T on the coding strand, the complement: IDS is on the minus strand). VCF-style: chrX-149482960-G-A. GRCh37 (hg19) VCF-style: chrX-148564491-G-A.
Other names: c.1439C>T (NM_000202.7); c.1169C>T, p.Pro390Leu (NM_001166550.4); short protein forms P480L, P390L.
Identifiers: ClinVar variation 1509031 (VCV001509031.11), dbSNP rs2123994251, ClinGen allele CA414518089.
Genomic context (GRCh38, chrX:149,482,960, plus strand): 5'-GTATACCTATAGTCTATGGTGCGTATGGAATAGCCCATGATCTTTATATCTTTTAAACTC[G>A]GCTTGTCAGAATTCCACTGAGGGATGTCTGAAGGCCGGGGATACTGGCTATAGGCAATCA-3'
Protein context (NP_000193.1, residues 470-490): SDIPQWNSDK[Pro480Leu]SLKDIKIMGY